The following is an entry in ClinVar:

NM_000996.4(RPL35A):c.227G>A (p.Arg76Gln)

Genes: DRC9 (dynein regulatory complex subunit 9; minus strand), RPL35A (ribosomal protein L35a; plus strand). Cytogenetic location: 3q29.
Variant type: single nucleotide variant.
Coding change: c.227G>A on transcript NM_000996.4 (MANE Select); coding-DNA position 227, G replaced by A.
Protein change: p.Arg76Gln; replaces arginine 76 with glutamine.
Molecular consequence: missense variant. On other transcripts: intron variant (3).
Genome position (GRCh38, 1-based): chr3:197,954,065, G>A. VCF-style: chr3-197954065-G-A. GRCh37 (hg19) VCF-style: chr3-197680936-G-A.
Other names: c.227G>A, p.Arg76Gln (NM_001316311.2); c.-50+5464C>T (NM_001323028.2); c.-60+5464C>T (NM_032263.5); c.-375+5464C>T (NM_001323029.2); short protein forms R76Q.
Identifiers: ClinVar variation 1788913 (VCV001788913.3), dbSNP rs1720338562, ClinGen allele CA355884656.

ClinVar aggregate classification (germline): Uncertain significance. Review status: criteria provided, multiple submitters, no conflicts (2 of 4 stars). 2 submissions from 2 submitters: Uncertain significance (2). Last evaluated 2024-04-25.

Conditions:
Diamond-Blackfan anemia. Also called: Blackfan Diamond syndrome; Aregenerative anemia chronic congenital; Red cell aplasia, pure hereditary; Congenital hypoplastic anemia; Aase syndrome. Identifiers: Orphanet 124, MedGen C1260899, MeSH D029503, MONDO:0015253, HP:0004810.
Diamond-Blackfan anemia 5 (DBA5). Also called: RPL35A-Related Diamond-Blackfan Anemia. Identifiers: Orphanet 124, MedGen C2675859, MONDO:0012925, OMIM 612528.

Allele frequency attached by ClinVar (database versions not stated): gnomAD exomes 0.00001.
gnomAD v4.1: 7 of 1,614,030 alleles (0.00043%); highest among the groups gnomAD compares: Non-Finnish European, 0.00059%; no homozygotes.

Submissions (2):

Fulgent Genetics
Classification: Uncertain significance for Diamond-Blackfan anemia 5. Last evaluated: 2024-04-25. Review status: criteria provided, single submitter. Criteria: ACMG Guidelines, 2015. Collection method: clinical testing. Allele origin: germline.

Ambry Genetics
Classification: Uncertain significance for Diamond-Blackfan anemia. Last evaluated: 2017-07-01. Review status: criteria provided, single submitter. Criteria: Ambry Variant Classification Scheme 2023. Collection method: clinical testing. Allele origin: germline.
Comment: The p.R76Q variant (also known as c.227G>A), located in coding exon 3 of the RPL35A gene, results from a G to A substitution at nucleotide position 227. The arginine at codon 76 is replaced by glutamine, an amino acid with highly similar properties. This amino acid position is highly conserved in available vertebrate species. In addition, this alteration is predicted to be deleterious by in silico analysis. Since supporting evidence is limited at this time, the clinical significance of this alteration remains unclear.